The following is an entry in ClinVar:

NM_133510.4(RAD51B):c.104C>T (p.Pro35Leu)

Gene: RAD51B (RAD51 paralog B; plus strand). Cytogenetic location: 14q24.1.
Variant type: single nucleotide variant.
Coding change: c.104C>T on transcript NM_133510.4 (MANE Select); coding-DNA position 104, C replaced by T.
Protein change: p.Pro35Leu; replaces proline 35 with leucine.
Molecular consequence: missense variant. On other transcripts: 5 prime UTR variant (2).
Genome position (GRCh38, 1-based): chr14:67,825,483, C>T. VCF-style: chr14-67825483-C-T. GRCh37 (hg19) VCF-style: chr14-68292200-C-T.
Other names: c.104C>T, p.Pro35Leu (NM_001321809.2, NM_001321810.2, NM_001321812.1 and 6 more transcripts); c.-11C>T (NM_001321815.1); c.-352C>T (NM_001321817.2); short protein forms P35L.
Identifiers: ClinVar variation 3786436 (VCV003786436.1).

ClinVar aggregate classification (germline): Uncertain significance (1 of 4 stars; one submission).

gnomAD v4.1: 3 of 1,612,428 alleles (0.00019%); highest among the groups gnomAD compares: African/African-American, 0.0027%; no homozygotes.

Submission:

Ambry Genetics
Classification: Uncertain significance. Last evaluated: 2025-01-30. Review status: criteria provided, single submitter. Criteria: Ambry Variant Classification Scheme 2023. Collection method: clinical testing. Allele origin: germline.
Comment: The p.P35L variant (also known as c.104C>T), located in coding exon 2 of the RAD51B gene, results from a C to T substitution at nucleotide position 104. The proline at codon 35 is replaced by leucine, an amino acid with similar properties. This amino acid position is conserved. In addition, this alteration is predicted to be tolerated by in silico analysis. Based on the available evidence, the clinical significance of this variant remains unclear.